The following is an entry in ClinVar:

ClinVar aggregate classification (germline): Uncertain significance (1 of 4 stars; one submission).

Conditions:
Early-infantile DEE. Also called: Early infantile epileptic encephalopathy; Early infantile epileptic encephalopathy with suppression bursts; Ohtahara syndrome. Identifiers: Orphanet 1934, MedGen C0393706, MONDO:0800491.

gnomAD v4.1: 2 of 1,613,828 alleles (0.00012%); highest among the groups gnomAD compares: Non-Finnish European, 0.00017%; no homozygotes.

Submission:

Labcorp Genetics (formerly Invitae), Labcorp
Classification: Uncertain significance for Early-infantile DEE. Last evaluated: 2022-02-13. Review status: criteria provided, single submitter. Criteria: Invitae Variant Classification Sherloc (09022015). Collection method: clinical testing. Allele origin: germline.
Comment: In summary, the available evidence is currently insufficient to determine the role of this variant in disease. Therefore, it has been classified as a Variant of Uncertain Significance. Advanced modeling of protein sequence and biophysical properties (such as structural, functional, and spatial information, amino acid conservation, physicochemical variation, residue mobility, and thermodynamic stability) performed at Invitae indicates that this missense variant is expected to disrupt SCN1A protein function. This variant has not been reported in the literature in individuals affected with SCN1A-related conditions. This variant is not present in population databases (gnomAD no frequency). This sequence change replaces proline, which is neutral and non-polar, with histidine, which is basic and polar, at codon 1817 of the SCN1A protein (p.Pro1817His).

NM_001165963.4(SCN1A):c.5450C>A (p.Pro1817His)

Genes: SCN1A (sodium voltage-gated channel alpha subunit 1; minus strand), LOC102724058 (uncharacterized LOC102724058; plus strand). Cytogenetic location: 2q24.3.
Variant type: single nucleotide variant.
Coding change: c.5450C>A on transcript NM_001165963.4 (MANE Select); coding-DNA position 5450, C replaced by A.
Protein change: p.Pro1817His; replaces proline 1817 with histidine.
Molecular consequence: missense variant. On other transcripts: non-coding transcript variant (1).
Genome position (GRCh38, 1-based): chr2:165,991,825, G>T on the plus strand (C>A on the coding strand, the complement: SCN1A is on the minus strand). VCF-style: chr2-165991825-G-T. GRCh37 (hg19) VCF-style: chr2-166848335-G-T.
Other names: c.5366C>A, p.Pro1789His (NM_001165964.3, NM_001353957.2, NM_001353958.2); c.5450C>A, p.Pro1817His (NM_001202435.3, NM_001353948.2); c.3008C>A, p.Pro1003His (NM_001353961.2); c.5417C>A, p.Pro1806His (NM_006920.6, NM_001353949.2, NM_001353950.2 and 2 more transcripts); c.5414C>A, p.Pro1805His (NM_001353954.2, NM_001353955.2); c.5363C>A, p.Pro1788His (NM_001353960.2); short protein forms P1805H, P1789H, P1806H, P1003H, P1788H, P1817H.
Identifiers: ClinVar variation 2097482 (VCV002097482.4), dbSNP rs1354769447, ClinGen allele CA349067502.